The following is an entry in ClinVar:

NM_004415.4(DSP):c.52A>C (p.Ile18Leu)

Genes: DSP (desmoplakin; plus strand), DSP-AS1 (DSP antisense RNA 1; minus strand). Cytogenetic location: 6p24.3.
Variant type: single nucleotide variant.
Coding change: c.52A>C on transcript NM_004415.4 (MANE Select); coding-DNA position 52, A replaced by C.
Protein change: p.Ile18Leu; replaces isoleucine 18 with leucine.
Molecular consequence: missense variant.
Genome position (GRCh38, 1-based): chr6:7,541,967, A>C. VCF-style: chr6-7541967-A-C. GRCh37 (hg19) VCF-style: chr6-7542200-A-C.
Other names: c.52A>C, p.Ile18Leu (NM_001008844.3, NM_001319034.2, NM_001406591.1); short protein forms I18L.
Identifiers: ClinVar variation 2775253 (VCV002775253.3), dbSNP rs1309975219, ClinGen allele CA362675593.
Genomic context (GRCh38, chr6:7,541,967, plus strand): 5'-CCCGCCGACATGAGCTGCAACGGAGGCTCCCACCCGCGGATCAACACTCTGGGCCGCATG[A>C]TCCGCGCCGAGTCTGGCCCGGACCTGCGCTACGAGGTGACCAGCGGCGGCGGGGGCACCA-3'
Protein context (NP_004406.2, residues 8-28): HPRINTLGRM[Ile18Leu]RAESGPDLRY

ClinVar aggregate classification (germline): Uncertain significance. Review status: criteria provided, multiple submitters, no conflicts (2 of 4 stars). 2 submissions from 2 submitters: Uncertain significance (2). Last evaluated 2023-08-15.

Conditions:
Cardiomyopathy (CMYO). Also called: Cardiomyopathies. Identifiers: Orphanet 167848, MedGen C0878544, MONDO:0004994, HP:0001638. Inheritance: Various modes of inheritance.
Arrhythmogenic cardiomyopathy with wooly hair and keratoderma. Also called: PALMOPLANTAR KERATODERMA WITH LEFT VENTRICULAR CARDIOMYOPATHY AND WOOLLY HAIR; Dilated cardiomyopathy with woolly hair and keratoderma; Arrhythmogenic cardiomyopathy with woolly hair and keratoderma; Carvajal syndrome. Identifiers: Orphanet 65282, MedGen C1854063, MONDO:0011581, OMIM 605676.

Allele frequency attached by ClinVar (database versions not stated): TOPMed below 0.00001; gnomAD 0.00001.
gnomAD v4.1: 4 of 1,606,972 alleles (0.00025%); highest among the groups gnomAD compares: African/African-American, 0.0013%; no homozygotes.

Submissions (2):

All of Us Research Program, National Institutes of Health
Classification: Uncertain significance for Arrhythmogenic cardiomyopathy with wooly hair and keratoderma. Last evaluated: 2023-08-15. Review status: criteria provided, single submitter. Criteria: ACMG Guidelines, 2015. Collection method: clinical testing. Allele origin: germline. Inheritance: Autosomal dominant inheritance. Observed: 1 variant allele, 1 heterozygote.
Comment: This missense variant replaces isoleucine with leucine at codon 18 of the DSP protein. Computational prediction suggests that this variant may not impact protein structure and function (internally defined REVEL score threshold <= 0.5, PMID: 27666373). To our knowledge, functional studies have not been reported for this variant. This variant has not been reported in individuals affected with cardiovascular disorders in the literature. This variant has not been identified in the general population by the Genome Aggregation Database (gnomAD). The available evidence is insufficient to determine the role of this variant in disease conclusively. Therefore, this variant is classified as a Variant of Uncertain Significance.

This study involves interpretation of variants in research participants for the purpose of population health screening. Participant phenotype was not available at the time of variant classification. Additional details can be found in publication PMID: 35346344, PMCID: PMC8962531

Color Diagnostics, LLC DBA Color Health
Classification: Uncertain significance for Cardiomyopathy. Last evaluated: 2023-07-20. Review status: criteria provided, single submitter. Criteria: ACMG Guidelines, 2015. Collection method: clinical testing. Allele origin: germline.
Comment: This missense variant replaces isoleucine with leucine at codon 18 of the DSP protein. Computational prediction suggests that this variant may not impact protein structure and function (internally defined REVEL score threshold <= 0.5, PMID: 27666373). To our knowledge, functional studies have not been reported for this variant. This variant has not been reported in individuals affected with cardiovascular disorders in the literature. This variant has not been identified in the general population by the Genome Aggregation Database (gnomAD). The available evidence is insufficient to determine the role of this variant in disease conclusively. Therefore, this variant is classified as a Variant of Uncertain Significance.